The following is an entry in ClinVar:

NM_001142800.2(EYS):c.8293G>A (p.Asp2765Asn)

Genes: EYS (eyes shut homolog; minus strand), PHF3 (PHD finger protein 3; plus strand). Cytogenetic location: 6q12.
Variant type: single nucleotide variant.
Coding change: c.8293G>A on transcript NM_001142800.2 (MANE Select); coding-DNA position 8293, G replaced by A.
Protein change: p.Asp2765Asn; replaces aspartic acid 2765 with asparagine.
Molecular consequence: missense variant. On other transcripts: 3 prime UTR variant (5).
Genome position (GRCh38, 1-based): chr6:63,721,738, C>T on the plus strand (G>A on the coding strand, the complement: EYS is on the minus strand). VCF-style: chr6-63721738-C-T. GRCh37 (hg19) VCF-style: chr6-64431634-C-T.
Other names: c.*8030C>T (NM_001290259.2, NM_001370348.2, NM_001370349.2 and 2 more transcripts); c.8356G>A, p.Asp2786Asn (NM_001292009.2); short protein forms D2765N, D2786N.
Identifiers: ClinVar variation 1907280 (VCV001907280.2), dbSNP rs1224801221, ClinGen allele CA364385258.
Genomic context (GRCh38, chr6:63,721,738, plus strand): 5'-TATGCCAAGTACTTCCGTTTATAGTTACTTTTTGGAGAGTTTCTAGAATGATAGTTCTGT[C>T]GCCAAGGTTGTAGCGAAGTTGAACGGAACTATTTACTAAAGAGATGCATAAAAAATCACC-3'
Protein context (NP_001136272.1, residues 2755-2775): SSVQLRYNLG[Asp2765Asn]RTIILETLQK

ClinVar aggregate classification (germline): Uncertain significance (1 of 4 stars; one submission).

Allele frequency attached by ClinVar (database versions not stated): gnomAD exomes below 0.00001; TOPMed below 0.00001; gnomAD 0.00001.
gnomAD v4.1: 2 of 1,550,704 alleles (0.00013%); highest among the groups gnomAD compares: Non-Finnish European, 0.00017%; no homozygotes.

Submission:

Labcorp Genetics (formerly Invitae), Labcorp
Classification: Uncertain significance. Last evaluated: 2022-04-28. Review status: criteria provided, single submitter. Criteria: Invitae Variant Classification Sherloc (09022015). Collection method: clinical testing. Allele origin: germline.
Comment: This sequence change replaces aspartic acid, which is acidic and polar, with asparagine, which is neutral and polar, at codon 2765 of the EYS protein (p.Asp2765Asn). This variant is not present in population databases (gnomAD no frequency). This variant has not been reported in the literature in individuals affected with EYS-related conditions. Algorithms developed to predict the effect of missense changes on protein structure and function are either unavailable or do not agree on the potential impact of this missense change (SIFT: "Deleterious"; PolyPhen-2: "Benign"; Align-GVGD: "Class C0"). In summary, the available evidence is currently insufficient to determine the role of this variant in disease. Therefore, it has been classified as a Variant of Uncertain Significance.